The following is an entry in ClinVar:

NM_005660.3(SLC35A2):c.1100A>G (p.Gln367Arg)

Gene: SLC35A2 (solute carrier family 35 member A2; minus strand). Cytogenetic location: Xp11.23.
Variant type: single nucleotide variant.
Coding change: c.1100A>G on transcript NM_005660.3 (MANE Select); coding-DNA position 1100, A replaced by G.
Protein change: p.Gln367Arg; replaces glutamine 367 with arginine.
Molecular consequence: missense variant. On other transcripts: synonymous variant (3).
Genome position (GRCh38, 1-based): chrX:48,904,809, T>C on the plus strand (A>G on the coding strand, the complement: SLC35A2 is on the minus strand). VCF-style: chrX-48904809-T-C. GRCh37 (hg19) VCF-style: chrX-48762086-T-C.
Other names: c.510A>G, p.Ala170= (NM_001032289.3, NM_001282647.2); c.1100A>G, p.Gln367Arg (NM_001042498.3); c.438A>G, p.Ala146= (NM_001282648.2); c.917A>G, p.Gln306Arg (NM_001282649.2); c.1139A>G, p.Gln380Arg (NM_001282650.2); c.1184A>G, p.Gln395Arg (NM_001282651.2); c.1100A>G (NM_001042498.2); short protein forms Q367R, Q380R, Q306R, Q395R.
Identifiers: ClinVar variation 1449924 (VCV001449924.14), dbSNP rs782516328, ClinGen allele CA10406058.

ClinVar aggregate classification (germline): Conflicting classifications of pathogenicity. Review status: criteria provided, conflicting classifications (1 of 4 stars). 3 submissions from 3 submitters: Uncertain significance (2); Likely benign (1). Last evaluated 2025-10-17.

Conditions:
SLC35A2-congenital disorder of glycosylation. Also called: DEVELOPMENTAL AND EPILEPTIC ENCEPHALOPATHY 22; CONGENITAL DISORDER OF GLYCOSYLATION, TYPE IIm; CDG IIm; CONGENITAL DISORDER OF GLYCOSYLATION, TYPE IIm, SOMATIC MOSAIC; EPILEPTIC ENCEPHALOPATHY, EARLY INFANTILE, 22; SLC35A2-CDG. Identifiers: Orphanet 356961, MedGen C3806688, MONDO:0010478, OMIM 300896.
Inborn genetic diseases. Identifiers: MedGen C0950123, MeSH D030342.

Allele frequency attached by ClinVar (database versions not stated): ExAC 0.00001; TOPMed 0.00002; gnomAD 0.00004; gnomAD exomes 0.00001.

Submissions (3):

GeneDx
Classification: Uncertain significance. Last evaluated: 2025-10-17. Review status: criteria provided, single submitter. Criteria: GeneDx Variant Classification Process June 2021. Collection method: clinical testing. Allele origin: germline.
Comment: Has not been previously published as pathogenic or benign to our knowledge; In silico analysis suggests that this missense variant does not alter protein structure/function

Labcorp Genetics (formerly Invitae), Labcorp
Classification: Uncertain significance for SLC35A2-congenital disorder of glycosylation. Last evaluated: 2023-05-15. Review status: criteria provided, single submitter. Criteria: Invitae Variant Classification Sherloc (09022015). Collection method: clinical testing. Allele origin: germline.
Comment: In summary, the available evidence is currently insufficient to determine the role of this variant in disease. Therefore, it has been classified as a Variant of Uncertain Significance. Advanced modeling of protein sequence and biophysical properties (such as structural, functional, and spatial information, amino acid conservation, physicochemical variation, residue mobility, and thermodynamic stability) has been performed at Invitae for this missense variant, however the output from this modeling did not meet the statistical confidence thresholds required to predict the impact of this variant on SLC35A2 protein function. ClinVar contains an entry for this variant (Variation ID: 1449924). This missense change has been observed in individual(s) with clinical features of SLC35A2-related conditions (Invitae). This variant is present in population databases (rs782516328, gnomAD 0.01%). This sequence change replaces glutamine, which is neutral and polar, with arginine, which is basic and polar, at codon 367 of the SLC35A2 protein (p.Gln367Arg).

Ambry Genetics
Classification: Likely benign for Inborn genetic diseases. Last evaluated: 2021-12-03. Review status: criteria provided, single submitter. Criteria: Ambry Variant Classification Scheme 2023. Collection method: clinical testing. Allele origin: germline.